The following is an entry in ClinVar:

NM_001199107.2(TBC1D24):c.1405C>T (p.His469Tyr)

Gene: TBC1D24 (TBC1 domain family member 24; plus strand). Cytogenetic location: 16p13.3.
Variant type: single nucleotide variant.
Coding change: c.1405C>T on transcript NM_001199107.2 (MANE Select); coding-DNA position 1405, C replaced by T.
Protein change: p.His469Tyr; replaces histidine 469 with tyrosine.
Molecular consequence: missense variant.
Genome position (GRCh38, 1-based): chr16:2,500,370, C>T. VCF-style: chr16-2500370-C-T. GRCh37 (hg19) VCF-style: chr16-2550371-C-T.
Other names: c.1387C>T, p.His463Tyr (NM_020705.3); short protein forms H463Y, H469Y.
Identifiers: ClinVar variation 1004694 (VCV001004694.9), dbSNP rs2065781840, ClinGen allele CA394380852.

ClinVar aggregate classification (germline): Uncertain significance (1 of 4 stars; one submission).

Conditions:
Developmental and epileptic encephalopathy, 1 (DEE1). Also called: X-linked infantile spasms; West's syndrome; Tonic spasms with clustering, arrest of psychomotor development and hypsarrhythmia on EEG; X-Linked Infantile Spasm Syndrome; OHTAHARA SYNDROME, X-LINKED; Epileptic encephalopathy, early infantile, 1. Identifiers: MedGen C3463992, MONDO:0010632, OMIM 308350. Disease mechanism: loss of function.
Autosomal dominant nonsyndromic hearing loss 65. Also called: Deafness, autosomal dominant 65; TBC1D24-Related Autosomal Dominant Nonsyndromic Hearing Loss (DFNA). Identifiers: Orphanet 90635, MedGen C3892048, MONDO:0014470, OMIM 616044.

Submission:

Labcorp Genetics (formerly Invitae), Labcorp
Classification: Uncertain significance for Developmental and epileptic encephalopathy, 1; Autosomal dominant nonsyndromic hearing loss 65. Last evaluated: 2024-06-05. Review status: criteria provided, single submitter. Criteria: Invitae Variant Classification Sherloc (09022015). Collection method: clinical testing. Allele origin: germline.
Comment: This sequence change replaces histidine, which is basic and polar, with tyrosine, which is neutral and polar, at codon 469 of the TBC1D24 protein (p.His469Tyr). This variant is not present in population databases (gnomAD no frequency). This variant has not been reported in the literature in individuals affected with TBC1D24-related conditions. ClinVar contains an entry for this variant (Variation ID: 1004694). Advanced modeling of protein sequence and biophysical properties (such as structural, functional, and spatial information, amino acid conservation, physicochemical variation, residue mobility, and thermodynamic stability) performed at Invitae indicates that this missense variant is not expected to disrupt TBC1D24 protein function with a negative predictive value of 95%. In summary, the available evidence is currently insufficient to determine the role of this variant in disease. Therefore, it has been classified as a Variant of Uncertain Significance.